The following is an entry in ClinVar:

NM_024496.4(IRF2BPL):c.546C>T (p.Ser182=)

Gene: IRF2BPL (interferon regulatory factor 2 binding protein like; minus strand). Cytogenetic location: 14q24.3.
Variant type: single nucleotide variant.
Coding change: c.546C>T on transcript NM_024496.4 (MANE Select); coding-DNA position 546, C replaced by T.
Protein change: p.Ser182=; no amino-acid change (serine 182 retained).
Molecular consequence: synonymous variant.
Genome position (GRCh38, 1-based): chr14:77,027,247, G>A on the plus strand (C>T on the coding strand, the complement: IRF2BPL is on the minus strand). VCF-style: chr14-77027247-G-A. GRCh37 (hg19) VCF-style: chr14-77493590-G-A.
Identifiers: ClinVar variation 4534551 (VCV004534551.6).

ClinVar aggregate classification (germline): Likely benign (1 of 4 stars; one submission).

Submission:

CeGaT Center for Human Genetics Tuebingen
Classification: Likely benign. Last evaluated: 2025-11-01. Review status: criteria provided, single submitter. Criteria: CeGaT Center For Human Genetics Tuebingen Variant Classification Criteria Version 2. Collection method: clinical testing. Allele origin: germline. Affected: yes. Observed: 1 variant allele.
Comment: IRF2BPL: BP4, BP7